The following is an entry in ClinVar:

ClinVar aggregate classification (germline): Uncertain significance. Review status: criteria provided, multiple submitters, no conflicts (2 of 4 stars). 2 submissions from 2 submitters: Uncertain significance (2). Last evaluated 2025-04-14.

Conditions:
Inborn genetic diseases. Identifiers: MedGen C0950123, MeSH D030342.

Submissions (2):

Greenwood Genetic Center Diagnostic Laboratories, Greenwood Genetic Center
Classification: Uncertain significance. Last evaluated: 2025-04-14. Review status: criteria provided, single submitter. Criteria: ACMG Guidelines, 2015. Collection method: clinical testing. Allele origin: germline. Affected: yes.
Comment: PM2, BP4

Ambry Genetics
Classification: Uncertain significance for Inborn genetic diseases. Last evaluated: 2025-04-09. Review status: criteria provided, single submitter. Criteria: Ambry Variant Classification Scheme 2023. Collection method: clinical testing. Allele origin: germline.

NM_001368397.1(FRMPD4):c.1635C>A (p.Asn545Lys)

Gene: FRMPD4 (FERM and PDZ domain containing 4; plus strand). Cytogenetic location: Xp22.2.
Variant type: single nucleotide variant.
Coding change: c.1635C>A on transcript NM_001368397.1 (MANE Select); coding-DNA position 1635, C replaced by A.
Protein change: p.Asn545Lys; replaces asparagine 545 with lysine.
Molecular consequence: missense variant.
Genome position (GRCh38, 1-based): chrX:12,716,094, C>A. VCF-style: chrX-12716094-C-A. GRCh37 (hg19) VCF-style: chrX-12734213-C-A.
Other names: c.1746C>A, p.Asn582Lys (NM_001368395.3, NM_001368398.3); c.1641C>A, p.Asn547Lys (NM_001368396.3); c.1626C>A, p.Asn542Lys (NM_001368399.3); c.1515C>A, p.Asn505Lys (NM_001368400.3); c.1611C>A, p.Asn537Lys (NM_001368401.1, NM_001368402.3); c.1635C>A, p.Asn545Lys (NM_014728.3); short protein forms N542K, N545K, N547K, N582K, N505K, N537K.
Identifiers: ClinVar variation 4026876 (VCV004026876.2).